The following is an entry in ClinVar:

ClinVar aggregate classification (germline): Uncertain significance (1 of 4 stars; one submission).

Conditions:
Hereditary sensory and autonomic neuropathy type 6. Also called: Neuropathy, hereditary sensory and autonomic, type VI; HSAN VI. Identifiers: Orphanet 314381, MedGen C3539003, MONDO:0013839, OMIM 614653.
Epidermolysis bullosa simplex 3, localized or generalized intermediate, with BP230 deficiency (EBS3). Also called: Epidermolysis bullosa simplex due to BP230 deficiency; Epidermolysis bullosa simplex, autosomal recessive 2. Identifiers: Orphanet 412181, MedGen C3809470, MONDO:0014180, OMIM 615425.

Allele frequency attached by ClinVar (database versions not stated): gnomAD 0.00001; ExAC 0.00002; 1000 Genomes Project 30x 0.00016; 1000 Genomes Project 0.00020.

Submission:

Labcorp Genetics (formerly Invitae), Labcorp
Classification: Uncertain significance for Epidermolysis bullosa simplex 3, localized or generalized intermediate, with BP230 deficiency; Hereditary sensory and autonomic neuropathy type 6. Last evaluated: 2022-05-05. Review status: criteria provided, single submitter. Criteria: Invitae Variant Classification Sherloc (09022015). Collection method: clinical testing. Allele origin: germline.
Comment: In summary, the available evidence is currently insufficient to determine the role of this variant in disease. Therefore, it has been classified as a Variant of Uncertain Significance. Experimental studies and prediction algorithms are not available or were not evaluated, and the functional significance of this variant is currently unknown. This variant has not been reported in the literature in individuals affected with DST-related conditions. This variant is not present in population databases (gnomAD no frequency). This sequence change replaces phenylalanine, which is neutral and non-polar, with leucine, which is neutral and non-polar, at codon 3601 of the DST protein (p.Phe3601Leu). The DST gene has multiple clinically relevant transcripts. This variant occurs in alternate transcript NM_015548.4, and corresponds to NM_001723.5:c.*104210T>C in the primary transcript.

NM_001374736.1(DST):c.18670T>C (p.Phe6224Leu)

Gene: DST (dystonin; minus strand). Cytogenetic location: 6p12.1.
Variant type: single nucleotide variant.
Coding change: c.18670T>C on transcript NM_001374736.1 (MANE Select); coding-DNA position 18670, T replaced by C.
Protein change: p.Phe6224Leu; replaces phenylalanine 6224 with leucine.
Molecular consequence: missense variant.
Genome position (GRCh38, 1-based): chr6:56,511,307, A>G on the plus strand (T>C on the coding strand, the complement: DST is on the minus strand). VCF-style: chr6-56511307-A-G. GRCh37 (hg19) VCF-style: chr6-56376105-A-G.
Other names: c.12313T>C, p.Phe4105Leu (NM_001144769.5); c.11899T>C, p.Phe3967Leu (NM_001144770.2); c.18670T>C, p.Phe6224Leu (NM_001374722.1); c.17710T>C, p.Phe5904Leu (NM_001374729.1); c.11452T>C, p.Phe3818Leu (NM_001374730.1); c.18697T>C, p.Phe6233Leu (NM_001374734.1); c.11779T>C, p.Phe3927Leu (NM_001386100.1, NM_183380.4); c.10801T>C, p.Phe3601Leu (NM_015548.5); short protein forms F3601L, F5904L, F3818L, F3967L, F6224L, F3927L, F4105L, F6233L.
Identifiers: ClinVar variation 1983481 (VCV001983481.4), dbSNP rs201883887, ClinGen allele CA3867175.